The following is an entry in ClinVar:

ClinVar aggregate classification (germline): Benign/Likely benign. Review status: criteria provided, multiple submitters, no conflicts (2 of 4 stars). 4 submissions from 4 submitters: Benign (3); Likely benign (1). Last evaluated 2025-10-06.

Conditions:
Emery-Dreifuss muscular dystrophy 5, autosomal dominant (EDMD5). Also called: EMERY-DREIFUSS MUSCULAR DYSTROPHY 5. Identifiers: Orphanet 261, MedGen C2751805, MONDO:0013072, OMIM 612999.

Allele frequency attached by ClinVar (database versions not stated): gnomAD exomes 0.00010 and 0.00033; gnomAD 0.00014 and 0.00019; TOPMed 0.00017; ExAC 0.00036; 1000 Genomes Project 30x 0.00141; 1000 Genomes Project 0.00160.
gnomAD v4.1: 175 of 1,614,194 alleles (0.011%); highest among the groups gnomAD compares: East Asian, 0.36%; 2 homozygotes.

Submissions (4):

Labcorp Genetics (formerly Invitae), Labcorp
Classification: Benign for Emery-Dreifuss muscular dystrophy 5, autosomal dominant. Last evaluated: 2025-10-06. Review status: criteria provided, single submitter. Criteria: Invitae Variant Classification Sherloc (09022015). Collection method: clinical testing. Allele origin: germline.

Blueprint Genetics
Classification: Likely benign. Last evaluated: 2022-11-03. Review status: criteria provided, single submitter. Criteria: ACMG Guidelines, 2015. Collection method: clinical testing. Allele origin: germline.

CeGaT Center for Human Genetics Tuebingen
Classification: Benign. Last evaluated: 2022-10-01. Review status: criteria provided, single submitter. Criteria: CeGaT Center For Human Genetics Tuebingen Variant Classification Criteria Version 2. Collection method: clinical testing. Allele origin: germline. Affected: yes. Observed: 1 variant allele.
Comment: SYNE2: BS1, BS2

Illumina Laboratory Services, Illumina
Classification: Benign for Emery-Dreifuss muscular dystrophy 5, autosomal dominant. Last evaluated: 2018-01-12. Review status: criteria provided, single submitter. Criteria: ICSL Variant Classification Criteria 13 December 2019. Collection method: clinical testing. Allele origin: germline.
Comment: This variant was observed in the ICSL laboratory as part of a predisposition screen in an ostensibly healthy population. It had not been previously curated by ICSL or reported in the Human Gene Mutation Database (HGMD: prior to June 1st, 2018), and was therefore a candidate for classification through an automated scoring system. Utilizing variant allele frequency, disease prevalence and penetrance estimates, and inheritance mode, an automated score was calculated to assess if this variant is too frequent to cause the disease. Based on the score and internal cut-off values, a variant classified as benign is not then subjected to further curation. The score for this variant resulted in a classification of benign for this disease.

NM_182914.3(SYNE2):c.20286T>C (p.Cys6762=)

Gene: SYNE2 (spectrin repeat containing nuclear envelope protein 2; plus strand). Cytogenetic location: 14q23.2.
Variant type: single nucleotide variant.
Coding change: c.20286T>C on transcript NM_182914.3 (MANE Select); coding-DNA position 20286, T replaced by C.
Protein change: p.Cys6762=; no amino-acid change (cysteine 6762 retained).
Molecular consequence: synonymous variant.
Genome position (GRCh38, 1-based): chr14:64,223,284, T>C. VCF-style: chr14-64223284-T-C. GRCh37 (hg19) VCF-style: chr14-64690002-T-C.
Other names: c.20217T>C, p.Cys6739= (NM_015180.6); c.852T>C, p.Cys284= (NM_182910.2); c.1230T>C, p.Cys410= (NM_182913.4).
Identifiers: ClinVar variation 313657 (VCV000313657.39), dbSNP rs77065534, ClinGen allele CA7224800.